The following is an entry in ClinVar:

ClinVar aggregate classification (germline): Pathogenic (1 of 4 stars; one submission).

Conditions:
Marfan syndrome (MFS). Also called: Marfan syndrome type 1; Marfan's syndrome; FBN1-Related Marfan Syndrome; MARFAN SYNDROME, TYPE I; Marfan syndrome, classic. Identifiers: Orphanet 284963, Orphanet 558, MedGen C0024796, MONDO:0007947, OMIM 154700.
Familial thoracic aortic aneurysm and aortic dissection (TAAD). Also called: Thoracic aortic aneurysms and dissections. Identifiers: Orphanet 91387, MedGen C4707243, MONDO:0019625.

Submission:

Labcorp Genetics (formerly Invitae), Labcorp
Classification: Pathogenic for Marfan syndrome; Familial thoracic aortic aneurysm and aortic dissection. Last evaluated: 2021-02-16. Review status: criteria provided, single submitter. Criteria: Invitae Variant Classification Sherloc (09022015). Collection method: clinical testing. Allele origin: germline.
Comment: This sequence change replaces cysteine with serine at codon 727 of the FBN1 protein (p.Cys727Ser). The cysteine residue is highly conserved and there is a moderate physicochemical difference between cysteine and serine. This variant is not present in population databases (ExAC no frequency). This variant has been observed in individual(s) with clinical features of Marfan syndrome (Invitae). Advanced modeling of protein sequence and biophysical properties (such as structural, functional, and spatial information, amino acid conservation, physicochemical variation, residue mobility, and thermodynamic stability) performed at Invitae indicates that this missense variant is expected to disrupt FBN1 protein function. This variant affects a cysteine residue in the EGF-like, TGFBP or hybrid motif domains of FBN1. Cysteine residues are believed to be involved in intramolecular disulfide bridges and have been shown to be important for FBN1 protein structure (PMID: 16905551, 19349279). In addition, missense substitutions affecting cysteine residues within these domains are significantly overrepresented among patients with Marfan syndrome (PMID: 16571647, 17701892). For these reasons, this variant has been classified as Pathogenic.

Literature cited by the submitters: PubMed 16905551; PubMed 19349279; PubMed 16571647; PubMed 17701892.

NM_000138.5(FBN1):c.2179T>A (p.Cys727Ser)

Gene: FBN1 (fibrillin 1; minus strand). Cytogenetic location: 15q21.1.
Variant type: single nucleotide variant.
Coding change: c.2179T>A on transcript NM_000138.5 (MANE Select); coding-DNA position 2179, T replaced by A.
Protein change: p.Cys727Ser; replaces cysteine 727 with serine.
Molecular consequence: missense variant.
Genome position (GRCh38, 1-based): chr15:48,497,380, A>T on the plus strand (T>A on the coding strand, the complement: FBN1 is on the minus strand). VCF-style: chr15-48497380-A-T. GRCh37 (hg19) VCF-style: chr15-48789577-A-T.
Other names: short protein forms C727S.
Identifiers: ClinVar variation 1393600 (VCV001393600.8), dbSNP rs1064794025, ClinGen allele CA392335887.
Genomic context (GRCh38, chr15:48,497,380, plus strand): 5'-TATAGGTCCCACGAAGGTTTTCACAGATTCCATTTGGGCAAATATCAGGATCTAGTGCAC[A>T]TTCATTTATATCTGCACCACAAAAAAGGTCAAAATCAATTAAGATTATAAAATAAATACT-3'
Protein context (NP_000129.3, residues 717-737): MTSAGSDINE[Cys727Ser]ALDPDICPNG